The following is an entry in ClinVar:

NM_006129.5(BMP1):c.724C>A (p.Gln242Lys)

Gene: BMP1 (bone morphogenetic protein 1; plus strand). Cytogenetic location: 8p21.3.
Variant type: single nucleotide variant.
Coding change: c.724C>A on transcript NM_006129.5 (MANE Select); coding-DNA position 724, C replaced by A.
Protein change: p.Gln242Lys; replaces glutamine 242 with lysine.
Molecular consequence: missense variant. On other transcripts: non-coding transcript variant (2).
Genome position (GRCh38, 1-based): chr8:22,177,133, C>A. VCF-style: chr8-22177133-C-A. GRCh37 (hg19) VCF-style: chr8-22034646-C-A.
Other names: c.724C>A, p.Gln242Lys (NM_001199.4); short protein forms Q242K.
Identifiers: ClinVar variation 1486568 (VCV001486568.8), dbSNP rs2131850058, ClinGen allele CA370542377.

ClinVar aggregate classification (germline): Uncertain significance (1 of 4 stars; one submission).

Allele frequency attached by ClinVar (database versions not stated): gnomAD exomes below 0.00001.
gnomAD v4.1: 4 of 1,604,742 alleles (0.00025%); highest among the groups gnomAD compares: Non-Finnish European, 0.00034%; no homozygotes.

Submission:

Labcorp Genetics (formerly Invitae), Labcorp
Classification: Uncertain significance. Last evaluated: 2022-11-08. Review status: criteria provided, single submitter. Criteria: Invitae Variant Classification Sherloc (09022015). Collection method: clinical testing. Allele origin: germline.
Comment: In summary, the available evidence is currently insufficient to determine the role of this variant in disease. Therefore, it has been classified as a Variant of Uncertain Significance. Advanced modeling of protein sequence and biophysical properties (such as structural, functional, and spatial information, amino acid conservation, physicochemical variation, residue mobility, and thermodynamic stability) performed at Invitae indicates that this missense variant is not expected to disrupt BMP1 protein function. ClinVar contains an entry for this variant (Variation ID: 1486568). This variant has not been reported in the literature in individuals affected with BMP1-related conditions. This variant is not present in population databases (gnomAD no frequency). This sequence change replaces glutamine, which is neutral and polar, with lysine, which is basic and polar, at codon 242 of the BMP1 protein (p.Gln242Lys).